The following is an entry in ClinVar:

ClinVar aggregate classification (germline): Uncertain significance (1 of 4 stars; one submission).

Conditions:
Catecholaminergic polymorphic ventricular tachycardia 1. Also called: VENTRICULAR TACHYCARDIA, CATECHOLAMINERGIC POLYMORPHIC, 1, WITH OR WITHOUT ATRIAL DYSFUNCTION AND/OR DILATED CARDIOMYOPATHY; RYR2-Related Catecholaminergic Polymorphic Ventricular Tachycardia; VENTRICULAR TACHYCARDIA, STRESS-INDUCED POLYMORPHIC 1. Identifiers: Orphanet 3286, MedGen C1631597, MONDO:0011484, OMIM 604772.

gnomAD v4.1: 1 of 1,613,912 alleles (0.000062%); highest among the groups gnomAD compares: Non-Finnish European, 0.000085%; no homozygotes.

Submission:

Labcorp Genetics (formerly Invitae), Labcorp
Classification: Uncertain significance for Catecholaminergic polymorphic ventricular tachycardia 1. Last evaluated: 2017-09-12. Review status: criteria provided, single submitter. Criteria: Invitae Variant Classification Sherloc (09022015). Collection method: clinical testing. Allele origin: germline.
Comment: This variant is not present in population databases (ExAC no frequency). This sequence change replaces histidine with glutamine at codon 202 of the RYR2 protein (p.His202Gln). The histidine residue is highly conserved and there is a small physicochemical difference between histidine and glutamine. This variant has not been reported in the literature in individuals with RYR2-related disease. Algorithms developed to predict the effect of missense changes on protein structure and function do not agree on the potential impact of this missense change (SIFT: "Deleterious"; PolyPhen-2: "Possibly Damaging"; Align-GVGD: "Class C0"). In summary, the available evidence is currently insufficient to determine the role of this variant in disease. Therefore, it has been classified as a Variant of Uncertain Significance. This variant occurs within one of the three regions of the RYR2 gene (N-terminal domain, central domain, or channel region) where other pathogenic variants have been reported to cluster (PMID: 19926015).

Literature cited by the submitters: PubMed 19926015.

NM_001035.3(RYR2):c.606C>A (p.His202Gln)

Gene: RYR2 (ryanodine receptor 2; plus strand). Cytogenetic location: 1q43.
Variant type: single nucleotide variant.
Coding change: c.606C>A on transcript NM_001035.3 (MANE Select); coding-DNA position 606, C replaced by A.
Protein change: p.His202Gln; replaces histidine 202 with glutamine.
Molecular consequence: missense variant.
Genome position (GRCh38, 1-based): chr1:237,387,310, C>A. VCF-style: chr1-237387310-C-A. GRCh37 (hg19) VCF-style: chr1-237550610-C-A.
Other names: c.606C>A, p.His202Gln (LRG_402t1); short protein forms H202Q.
Identifiers: ClinVar variation 532379 (VCV000532379.10), dbSNP rs1438256315, ClinGen allele CA345377239.
Genomic context (GRCh38, chr1:237,387,310, plus strand): 5'-AAGTGATGCCTCCTTTTGCCTCTTGATACAGCACTTGTCTTATGGCAACGGCAGCTTACA[C>A]GTGGATGCCGCTTTCCAGCAGACTCTCTGGAGCGTGGCCCCAATCAGCTCAGGAAGTGAG-3'
Protein context (NP_001026.2, residues 192-212): LHLSYGNGSL[His202Gln]VDAAFQQTLW